The following is an entry in ClinVar:

NM_015443.4(KANSL1):c.3229G>C (p.Glu1077Gln)

Gene: KANSL1 (KAT8 regulatory NSL complex subunit 1). Cytogenetic location: 17q21.31.
Variant type: single nucleotide variant.
Coding change: c.3229G>C on transcript NM_015443.4 (MANE Select); coding-DNA position 3229, G replaced by C.
Protein change: p.Glu1077Gln; replaces glutamic acid 1077 with glutamine.
Molecular consequence: missense variant.
Genome position (GRCh38, 1-based): chr17:46,031,565, C>G on the plus strand (G>C on the coding strand, the complement: KANSL1 is on the minus strand). VCF-style: chr17-46031565-C-G. GRCh37 (hg19) VCF-style: chr17-44108931-C-G.
Other names: c.3226G>C, p.Glu1076Gln (NM_001193465.2, NM_001405856.1, NM_001405857.1 and 1 more transcripts); c.3229G>C, p.Glu1077Gln (NM_001193466.2, NM_001379198.1, NM_001405854.1 and 1 more transcripts); c.3127G>C, p.Glu1043Gln (NM_001405859.1, NM_001405860.1); c.3124G>C, p.Glu1042Gln (NM_001405861.1); c.3097G>C, p.Glu1033Gln (NM_001405872.1, NM_001405873.1, NM_001405874.1); c.3040G>C, p.Glu1014Gln (NM_001405875.1, NM_001405876.1, NM_001405877.1 and 1 more transcripts); c.3037G>C, p.Glu1013Gln (NM_001405879.1, NM_001405880.1); c.2992G>C, p.Glu998Gln (NM_001405881.1); and 4 more; short protein forms E1013Q, E1077Q, E998Q, E592Q, E654Q, E1042Q, E1076Q, E591Q.
Identifiers: ClinVar variation 4994564 (VCV004994564.1).

ClinVar aggregate classification (germline): Uncertain significance (1 of 4 stars; one submission).

Conditions:
KANSL1-related disorder. Also called: KANSL1-related condition.

Submission:

PreventionGenetics, part of Exact Sciences
Classification: Uncertain significance for KANSL1-related condition. Last evaluated: 2026-07-27. Review status: criteria provided, single submitter. Criteria: ACMG Guidelines, 2015. Collection method: clinical testing. Allele origin: germline.
Comment: The KANSL1 c.3229G>C variant is predicted to result in the amino acid substitution p.Glu1077Gln. To our knowledge, this variant has not been reported in the literature or in a large population database (gnomAD), indicating this variant is rare. At this time, the clinical significance of this variant is uncertain due to the absence of conclusive functional and genetic evidence.